The following is an entry in ClinVar:

NM_002381.5(MATN3):c.881G>A (p.Gly294Glu)

Genes: MATN3 (matrilin 3; minus strand), WDR35-DT (WDR35 divergent transcript; plus strand). Cytogenetic location: 2p24.1.
Variant type: single nucleotide variant.
Coding change: c.881G>A on transcript NM_002381.5 (MANE Select); coding-DNA position 881, G replaced by A.
Protein change: p.Gly294Glu; replaces glycine 294 with glutamic acid.
Molecular consequence: missense variant.
Genome position (GRCh38, 1-based): chr2:20,003,196, C>T on the plus strand (G>A on the coding strand, the complement: MATN3 is on the minus strand). VCF-style: chr2-20003196-C-T. GRCh37 (hg19) VCF-style: chr2-20202957-C-T.
Other names: short protein forms G294E.
Identifiers: ClinVar variation 1429571 (VCV001429571.6), dbSNP rs200304093, ClinGen allele CA1543871.

ClinVar aggregate classification (germline): Uncertain significance (1 of 4 stars; one submission).

Allele frequency attached by ClinVar (database versions not stated): TOPMed 0.00006; ESP Exome Variant Server 0.00008; gnomAD 0.00008 and 0.00009.

Submission:

Labcorp Genetics (formerly Invitae), Labcorp
Classification: Uncertain significance. Last evaluated: 2025-10-02. Review status: criteria provided, single submitter. Criteria: Invitae Variant Classification Sherloc (09022015). Collection method: clinical testing. Allele origin: germline.
Comment: This sequence change replaces glycine, which is neutral and non-polar, with glutamic acid, which is acidic and polar, at codon 294 of the MATN3 protein (p.Gly294Glu). This variant is present in population databases (rs200304093, gnomAD 0.03%). This variant has not been reported in the literature in individuals affected with MATN3-related conditions. ClinVar contains an entry for this variant (Variation ID: 1429571). Invitae Evidence Modeling of protein sequence and biophysical properties (such as structural, functional, and spatial information, amino acid conservation, physicochemical variation, residue mobility, and thermodynamic stability) indicates that this missense variant is not expected to disrupt MATN3 protein function with a negative predictive value of 80%. In summary, the available evidence is currently insufficient to determine the role of this variant in disease. Therefore, it has been classified as a Variant of Uncertain Significance.